The following is an entry in ClinVar:

NM_002185.5(IL7R):c.1260T>G (p.Ser420=)

Gene: IL7R (interleukin 7 receptor; plus strand). Cytogenetic location: 5p13.2.
Variant type: single nucleotide variant.
Coding change: c.1260T>G on transcript NM_002185.5 (MANE Select); coding-DNA position 1260, T replaced by G.
Protein change: p.Ser420=; no amino-acid change (serine 420 retained).
Molecular consequence: synonymous variant. On other transcripts: 3 prime UTR variant (1), non-coding transcript variant (1).
Genome position (GRCh38, 1-based): chr5:35,876,366, T>G. VCF-style: chr5-35876366-T-G. GRCh37 (hg19) VCF-style: chr5-35876468-T-G.
Other names: c.*377T>G (NM_001410734.1).
Identifiers: ClinVar variation 2655405 (VCV002655405.24), dbSNP rs2149906163, ClinGen allele CA443893057.

ClinVar aggregate classification (germline): Likely benign (1 of 4 stars; one submission).

Submission:

CeGaT Center for Human Genetics Tuebingen
Classification: Likely benign. Last evaluated: 2023-10-01. Review status: criteria provided, single submitter. Criteria: CeGaT Center For Human Genetics Tuebingen Variant Classification Criteria Version 2. Collection method: clinical testing. Allele origin: germline. Affected: yes. Observed: 1 variant allele.
Comment: IL7R: PM2:Supporting, BP4, BP7